The following is an entry in ClinVar:

ClinVar aggregate classification (germline): Pathogenic (1 of 4 stars; one submission).

Conditions:
Familial thoracic aortic aneurysm and aortic dissection (TAAD). Also called: Thoracic aortic aneurysms and dissections. Identifiers: Orphanet 91387, MedGen C4707243, MONDO:0019625.
Marfan syndrome (MFS). Also called: FBN1-Related Marfan Syndrome; Marfan's syndrome; MARFAN SYNDROME, TYPE I; Marfan syndrome type 1; Marfan syndrome, classic. Identifiers: Orphanet 284963, Orphanet 558, MedGen C0024796, MONDO:0007947, OMIM 154700.

Submission:

Labcorp Genetics (formerly Invitae), Labcorp
Classification: Pathogenic for Marfan syndrome; Familial thoracic aortic aneurysm and aortic dissection. Last evaluated: 2019-03-15. Review status: criteria provided, single submitter. Criteria: Invitae Variant Classification Sherloc (09022015). Collection method: clinical testing. Allele origin: germline.
Comment: For these reasons, this variant has been classified as Pathogenic. Loss-of-function variants in FBN1 are known to be pathogenic (PMID: 17657824, 19293843). This frameshift variant has been observed in an individual affected with Marfan syndrome (PMID: 19533785). This variant is not present in population databases (ExAC no frequency). This sequence change creates a premature translational stop signal (p.Cys2659Alafs*23) in the FBN1 gene. It is expected to result in an absent or disrupted protein product.

Literature cited by the submitters: PubMed 17657824; PubMed 19293843; PubMed 19533785.

NM_000138.5(FBN1):c.7974del (p.Cys2659fs)

Gene: FBN1 (fibrillin 1; minus strand). Cytogenetic location: 15q21.1.
Variant type: Deletion.
Coding change: c.7974del on transcript NM_000138.5 (MANE Select); coding-DNA position 7974, one base deleted (C; older notation c.7974delC).
Protein change: p.Cys2659fs; shifts the reading frame from cysteine 2659.
Molecular consequence: frameshift variant.
Genome position (GRCh38, 1-based): chr15:48,415,613, G deleted on the plus strand (C on the coding strand, the reverse complement: FBN1 is on the minus strand); the first of 5 consecutive G bases (chr15:48,415,613-48,415,617); deleting any one gives the same sequence. VCF-style (leftmost placement, unchanged base first): chr15-48415612-AG-A. GRCh37 (hg19) VCF-style: chr15-48707809-AG-A.
Other names: short protein forms C2659fs.
Identifiers: ClinVar variation 848010 (VCV000848010.9), dbSNP rs1555393848, ClinGen allele CA916082400.
Genomic context (GRCh38, chr15:48,415,612, plus strand): 5'-AGTAACCAGGTGGACAGCCACACAGGTAACCGCCCTCGGTATTGGAACAGCCATAGCTGC[AG>A]GGGGCCTGCGCAGAGCCACATTCATTGATGTCTTGGCATCCTCCACTGAACTGTTCATAC-3'